The following is an entry in ClinVar:

NM_001330700.2(TOP2B):c.517G>A (p.Asp173Asn)

Gene: TOP2B (DNA topoisomerase II beta; minus strand). Cytogenetic location: 3p24.2.
Variant type: single nucleotide variant.
Coding change: c.517G>A on transcript NM_001330700.2 (MANE Select); coding-DNA position 517, G replaced by A.
Protein change: p.Asp173Asn; replaces aspartic acid 173 with asparagine.
Molecular consequence: missense variant.
Genome position (GRCh38, 1-based): chr3:25,638,189, C>T on the plus strand (G>A on the coding strand, the complement: TOP2B is on the minus strand). VCF-style: chr3-25638189-C-T. GRCh37 (hg19) VCF-style: chr3-25679680-C-T.
Other names: c.502G>A, p.Asp168Asn (NM_001068.3); c.502G>A (NM_001068.2); short protein forms D168N, D173N.
Identifiers: ClinVar variation 1383139 (VCV001383139.9), dbSNP rs760612076, ClinGen allele CA2288883.

ClinVar aggregate classification (germline): Uncertain significance. Review status: criteria provided, multiple submitters, no conflicts (2 of 4 stars). 2 submissions from 2 submitters: Uncertain significance (2). Last evaluated 2026-01-20.

Allele frequency attached by ClinVar (database versions not stated): gnomAD 0.00001; gnomAD exomes 0.00001 and 0.00002.
gnomAD v4.1: 8 of 1,568,270 alleles (0.00051%); highest among the groups gnomAD compares: Admixed American, 0.0056%; no homozygotes.

Submissions (2):

Labcorp Genetics (formerly Invitae), Labcorp
Classification: Uncertain significance. Last evaluated: 2026-01-20. Review status: criteria provided, single submitter. Criteria: Invitae Variant Classification Sherloc (09022015). Collection method: clinical testing. Allele origin: germline.
Comment: This sequence change replaces aspartic acid, which is acidic and polar, with asparagine, which is neutral and polar, at codon 168 of the TOP2B protein (p.Asp168Asn). This variant is present in population databases (rs760612076, gnomAD 0.008%). This variant has not been reported in the literature in individuals affected with TOP2B-related conditions. ClinVar contains an entry for this variant (Variation ID: 1383139). An algorithm developed to predict the effect of missense changes on protein structure and function (PolyPhen-2) suggests that this variant is likely to be tolerated. In summary, the available evidence is currently insufficient to determine the role of this variant in disease. Therefore, it has been classified as a Variant of Uncertain Significance.

Ambry Genetics
Classification: Uncertain significance. Last evaluated: 2023-12-27. Review status: criteria provided, single submitter. Criteria: Ambry Variant Classification Scheme 2023. Collection method: clinical testing. Allele origin: germline.